The following is an entry in ClinVar:

NM_021930.6(RINT1):c.1169G>T (p.Cys390Phe)

Gene: RINT1 (RAD50 interactor 1; plus strand). Cytogenetic location: 7q22.3.
Variant type: single nucleotide variant.
Coding change: c.1169G>T on transcript NM_021930.6 (MANE Select); coding-DNA position 1169, G replaced by T.
Protein change: p.Cys390Phe; replaces cysteine 390 with phenylalanine.
Molecular consequence: missense variant. On other transcripts: non-coding transcript variant (1).
Genome position (GRCh38, 1-based): chr7:105,550,322, G>T. VCF-style: chr7-105550322-G-T. GRCh37 (hg19) VCF-style: chr7-105190769-G-T.
Other names: c.935G>T, p.Cys312Phe (NM_001346599.2); c.146G>T, p.Cys49Phe (NM_001346600.2, NM_001346603.2); c.245G>T, p.Cys82Phe (NM_001346601.2); short protein forms C49F, C82F, C312F, C390F.
Identifiers: ClinVar variation 3789212 (VCV003789212.1).
Genomic context (GRCh38, chr7:105,550,322, plus strand): 5'-TTGAATTTTCTCGGGGCCTTATGATGCTGGTTCTTGAGAAGTTAGCCACTGATATTCCTT[G>T]TCTGCTATATGATGACAATCTCTTCTGTCATTTGGTGGATGAAGTACTCTTGTTTGAAAG-3'
Protein context (NP_068749.3, residues 380-400): VLEKLATDIP[Cys390Phe]LLYDDNLFCH

ClinVar aggregate classification (germline): Uncertain significance (1 of 4 stars; one submission).

Submission:

Ambry Genetics
Classification: Uncertain significance. Last evaluated: 2024-12-14. Review status: criteria provided, single submitter. Criteria: Ambry Variant Classification Scheme 2023. Collection method: clinical testing. Allele origin: germline.
Comment: The p.C390F variant (also known as c.1169G>T), located in coding exon 9 of the RINT1 gene, results from a G to T substitution at nucleotide position 1169. The cysteine at codon 390 is replaced by phenylalanine, an amino acid with highly dissimilar properties. This amino acid position is conserved. In addition, this alteration is predicted to be tolerated by in silico analysis. Based on the available evidence, the clinical significance of this variant remains unclear.